The following is an entry in ClinVar:

ClinVar aggregate classification (germline): Uncertain significance (1 of 4 stars; one submission).

Conditions:
Renal carnitine transport defect (CDSP). Also called: Systemic primary carnitine deficiency; Primary carnitine deficiency; CARNITINE DEFICIENCY, SYSTEMIC, DUE TO DEFECT IN RENAL REABSORPTION OF CARNITINE; CARNITINE TRANSPORTER, PLASMA-MEMBRANE, DEFICIENCY OF; CARNITINE UPTAKE DEFECT; Carnitine transporter deficiency. Identifiers: Orphanet 158, MedGen C0342788, MONDO:0008919, OMIM 212140.

Allele frequency attached by ClinVar (database versions not stated): gnomAD exomes below 0.00001.

Submission:

Labcorp Genetics (formerly Invitae), Labcorp
Classification: Uncertain significance for Renal carnitine transport defect. Last evaluated: 2021-09-01. Review status: criteria provided, single submitter. Criteria: Invitae Variant Classification Sherloc (09022015). Collection method: clinical testing. Allele origin: germline.
Comment: This sequence change replaces isoleucine with threonine at codon 521 of the SLC22A5 protein (p.Ile521Thr). The isoleucine residue is highly conserved and there is a moderate physicochemical difference between isoleucine and threonine. This variant is not present in population databases (ExAC no frequency). This variant has not been reported in the literature in individuals affected with SLC22A5-related conditions. Algorithms developed to predict the effect of missense changes on protein structure and function (SIFT, PolyPhen-2, Align-GVGD) all suggest that this variant is likely to be disruptive. In summary, the available evidence is currently insufficient to determine the role of this variant in disease. Therefore, it has been classified as a Variant of Uncertain Significance.

NM_003060.4(SLC22A5):c.1562T>C (p.Ile521Thr)

Gene: SLC22A5 (solute carrier family 22 member 5; plus strand). Cytogenetic location: 5q31.1.
Variant type: single nucleotide variant.
Coding change: c.1562T>C on transcript NM_003060.4 (MANE Select); coding-DNA position 1562, T replaced by C.
Protein change: p.Ile521Thr; replaces isoleucine 521 with threonine.
Molecular consequence: missense variant.
Genome position (GRCh38, 1-based): chr5:132,393,787, T>C. VCF-style: chr5-132393787-T-C. GRCh37 (hg19) VCF-style: chr5-131729479-T-C.
Other names: c.1634T>C, p.Ile545Thr (NM_001308122.2); short protein forms I521T, I545T.
Identifiers: ClinVar variation 1419620 (VCV001419620.5), dbSNP rs1752787157, ClinGen allele CA360809992.